The following is an entry in ClinVar:

NM_001024630.4(RUNX2):c.645_646del (p.Arg215fs)

Gene: RUNX2 (RUNX family transcription factor 2; plus strand). Cytogenetic location: 6p21.1.
Variant type: Microsatellite.
Coding change: c.645_646del on transcript NM_001024630.4 (MANE Select); coding-DNA positions 645 to 646, 2 bases deleted (AG; older notation c.645_646delAG).
Protein change: p.Arg215fs; shifts the reading frame from arginine 215.
Molecular consequence: frameshift variant.
Genome position (GRCh38, 1-based): chr6:45,438,011-45,438,012, AG deleted; deleting any 2 consecutive bases within chr6:45,438,009-45,438,012 gives the same sequence; the c. name uses the placement nearest the transcript's 3' end. VCF-style (leftmost placement, unchanged base first): chr6-45438008-CAG-C. GRCh37 (hg19) VCF-style: chr6-45405745-CAG-C.
Other names: c.645_646del, p.Arg215fs (NM_001015051.4); c.603_604del, p.Arg201fs (NM_001278478.2, NM_001369405.1); c.601_602AG[1], p.Arg201Serfs (NM_004348.3); short protein forms R215fs, R201fs.
Identifiers: ClinVar variation 2031535 (VCV002031535.4), dbSNP rs2548593562, ClinGen allele CA2580614893.
Genomic context (GRCh38, chr6:45,438,008, plus strand): 5'-CAAGAGTTTCACCTTGACCATAACCGTCTTCACAAATCCTCCCCAAGTAGCTACCTATCA[CAG>C]AGCAATTAAAGTTACAGTAGATGGACCTCGGGAACCCAGAAGTAAGTACTCCCCTTTTTA-3'

ClinVar aggregate classification (germline): Pathogenic (1 of 4 stars; one submission).

Submission:

Labcorp Genetics (formerly Invitae), Labcorp
Classification: Pathogenic. Last evaluated: 2022-09-20. Review status: criteria provided, single submitter. Criteria: Invitae Variant Classification Sherloc (09022015). Collection method: clinical testing. Allele origin: germline.
Comment: For these reasons, this variant has been classified as Pathogenic. This variant has not been reported in the literature in individuals affected with RUNX2-related conditions. This variant is not present in population databases (gnomAD no frequency). This sequence change creates a premature translational stop signal (p.Arg215Serfs*3) in the RUNX2 gene. It is expected to result in an absent or disrupted protein product. Loss-of-function variants in RUNX2 are known to be pathogenic (PMID: 10521292, 11857736).

Literature cited by the submitters: PubMed 10521292; PubMed 11857736.